The following is an entry in ClinVar:

NM_000051.4(ATM):c.808A>G (p.Arg270Gly)

Gene: ATM (ATM serine/threonine kinase; plus strand). Cytogenetic location: 11q22.3.
Variant type: single nucleotide variant.
Coding change: c.808A>G on transcript NM_000051.4 (MANE Select); coding-DNA position 808, A replaced by G.
Protein change: p.Arg270Gly; replaces arginine 270 with glycine.
Molecular consequence: missense variant.
Genome position (GRCh38, 1-based): chr11:108,244,933, A>G. VCF-style: chr11-108244933-A-G. GRCh37 (hg19) VCF-style: chr11-108115660-A-G.
Other names: c.808A>G, p.Arg270Gly (NM_001351834.2); short protein forms R270G.
Identifiers: ClinVar variation 1171985 (VCV001171985.7), dbSNP rs2135241589, ClinGen allele CA382529388.

ClinVar aggregate classification (germline): Uncertain significance. Review status: criteria provided, multiple submitters, no conflicts (2 of 4 stars). 3 submissions from 3 submitters: Uncertain significance (3). Last evaluated 2024-03-18.

Conditions:
Ataxia-telangiectasia syndrome (AT). Also called: Ataxia telangiectasia (A-T); ATAXIA-TELANGIECTASIA, COMPLEMENTATION GROUP A; ATAXIA-TELANGIECTASIA, FRESNO VARIANT; Ataxia-telangiectasia, complementation group D; AT, COMPLEMENTATION GROUP C; Ataxia-telangiectasia, complementation group E. Identifiers: Orphanet 100, MedGen C0004135, MONDO:0008840, OMIM 208900.
Hereditary cancer-predisposing syndrome. Also called: Hereditary neoplastic syndrome; Neoplastic Syndromes, Hereditary; Hereditary Cancer Syndrome; Tumor predisposition. Identifiers: Orphanet 140162, MedGen C0027672, MeSH D009386, MONDO:0015356.

Submissions (3):

Labcorp Genetics (formerly Invitae), Labcorp
Classification: Uncertain significance for Ataxia-telangiectasia syndrome. Last evaluated: 2024-03-18. Review status: criteria provided, single submitter. Criteria: Invitae Variant Classification Sherloc (09022015). Collection method: clinical testing. Allele origin: germline.
Comment: This sequence change replaces arginine, which is basic and polar, with glycine, which is neutral and non-polar, at codon 270 of the ATM protein (p.Arg270Gly). This variant is not present in population databases (gnomAD no frequency). This variant has not been reported in the literature in individuals affected with ATM-related conditions. ClinVar contains an entry for this variant (Variation ID: 1171985). An algorithm developed to predict the effect of missense changes on protein structure and function (PolyPhen-2) suggests that this variant is likely to be disruptive. In summary, the available evidence is currently insufficient to determine the role of this variant in disease. Therefore, it has been classified as a Variant of Uncertain Significance.

Revvity Omics, Revvity
Classification: Uncertain significance for Ataxia-telangiectasia syndrome. Last evaluated: 2022-03-29. Review status: criteria provided, single submitter. Criteria: ACMG Guidelines, 2015. Collection method: clinical testing. Allele origin: germline.

Color Diagnostics, LLC DBA Color Health
Classification: Uncertain significance for Hereditary cancer-predisposing syndrome. Last evaluated: 2020-06-08. Review status: criteria provided, single submitter. Criteria: ACMG Guidelines, 2015. Collection method: clinical testing. Allele origin: germline.
Comment: This missense variant replaces arginine with glycine at codon 270 of the ATM protein. Computational prediction suggests that this variant may not impact protein structure and function (internally defined REVEL score threshold <= 0.5, PMID: 27666373). To our knowledge, functional studies have not been reported for this variant. This variant has not been reported in individuals affected with hereditary cancer in the literature. This variant has not been identified in the general population by the Genome Aggregation Database (gnomAD). The available evidence is insufficient to determine the role of this variant in disease conclusively. Therefore, this variant is classified as a Variant of Uncertain Significance.